The following is an entry in ClinVar:

NM_001282531.3(ADNP):c.872C>G (p.Ala291Gly)

Gene: ADNP (activity dependent neuroprotector homeobox; minus strand). Cytogenetic location: 20q13.13.
Variant type: single nucleotide variant.
Coding change: c.872C>G on transcript NM_001282531.3 (MANE Select); coding-DNA position 872, C replaced by G.
Protein change: p.Ala291Gly; replaces alanine 291 with glycine.
Molecular consequence: missense variant.
Genome position (GRCh38, 1-based): chr20:50,893,842, G>C on the plus strand (C>G on the coding strand, the complement: ADNP is on the minus strand). VCF-style: chr20-50893842-G-C. GRCh37 (hg19) VCF-style: chr20-49510379-G-C.
Other names: c.872C>G, p.Ala291Gly (NM_001282532.2, NM_001347511.2, NM_015339.5 and 1 more transcripts); short protein forms A291G.
Identifiers: ClinVar variation 1031904 (VCV001031904.1), dbSNP rs1981093578, ClinGen allele CA408975298.

ClinVar aggregate classification (germline): Uncertain significance (1 of 4 stars; one submission).

Conditions:
ADNP-related multiple congenital anomalies - intellectual disability - autism spectrum disorder. Also called: ADNP-Related Helsmoortel-Van der Aa Syndrome; Helsmoortel-Van der Aa Syndrome. Identifiers: Orphanet 404448, MedGen C4014538, MONDO:0014379, OMIM 615873. Disease mechanism: loss of function.

Submission:

Baylor Genetics
Classification: Uncertain significance for ADNP-related multiple congenital anomalies - intellectual disability - autism spectrum disorder. Last evaluated: 2018-01-25. Review status: criteria provided, single submitter. Criteria: ACMG Guidelines, 2015. Collection method: clinical testing. Allele origin: paternal. Affected: yes.
Comment: This variant was determined to be of uncertain significance according to ACMG Guidelines, 2015 [PMID:25741868].